The following is an entry in ClinVar:

ClinVar aggregate classification (germline): Uncertain significance. Review status: criteria provided, multiple submitters, no conflicts (2 of 4 stars). 2 submissions from 2 submitters: Uncertain significance (2). Last evaluated 2025-06-25.

Conditions:
Hereditary cancer-predisposing syndrome. Also called: Hereditary Cancer Syndrome; Hereditary neoplastic syndrome; Neoplastic Syndromes, Hereditary; Tumor predisposition. Identifiers: Orphanet 140162, MedGen C0027672, MeSH D009386, MONDO:0015356.

Allele frequency attached by ClinVar (database versions not stated): ExAC 0.00001.

Submissions (2):

Labcorp Genetics (formerly Invitae), Labcorp
Classification: Uncertain significance. Last evaluated: 2025-06-25. Review status: criteria provided, single submitter. Criteria: Invitae Variant Classification Sherloc (09022015). Collection method: clinical testing. Allele origin: germline.
Comment: This sequence change replaces valine, which is neutral and non-polar, with isoleucine, which is neutral and non-polar, at codon 140 of the FH protein (p.Val140Ile). This variant is present in population databases (rs746195750, gnomAD 0.006%). This variant has not been reported in the literature in individuals affected with FH-related conditions. ClinVar contains an entry for this variant (Variation ID: 1738561). Invitae Evidence Modeling of protein sequence and biophysical properties (such as structural, functional, and spatial information, amino acid conservation, physicochemical variation, residue mobility, and thermodynamic stability) indicates that this missense variant is not expected to disrupt FH protein function with a negative predictive value of 95%. In summary, the available evidence is currently insufficient to determine the role of this variant in disease. Therefore, it has been classified as a Variant of Uncertain Significance.

Ambry Genetics
Classification: Uncertain significance for Hereditary cancer-predisposing syndrome. Last evaluated: 2022-08-11. Review status: criteria provided, single submitter. Criteria: Ambry Variant Classification Scheme 2023. Collection method: clinical testing. Allele origin: germline.
Comment: The p.V140I variant (also known as c.418G>A), located in coding exon 4 of the FH gene, results from a G to A substitution at nucleotide position 418. The valine at codon 140 is replaced by isoleucine, an amino acid with highly similar properties. This amino acid position is highly conserved in available vertebrate species. In addition, the in silico prediction for this alteration is inconclusive. Since supporting evidence is limited at this time, the clinical significance of this alteration remains unclear.

NM_000143.4(FH):c.418G>A (p.Val140Ile)

Gene: FH (fumarate hydratase; minus strand). Cytogenetic location: 1q43.
Variant type: single nucleotide variant.
Coding change: c.418G>A on transcript NM_000143.4 (MANE Select); coding-DNA position 418, G replaced by A.
Protein change: p.Val140Ile; replaces valine 140 with isoleucine.
Molecular consequence: missense variant.
Genome position (GRCh38, 1-based): chr1:241,512,104, C>T on the plus strand (G>A on the coding strand, the complement: FH is on the minus strand). VCF-style: chr1-241512104-C-T. GRCh37 (hg19) VCF-style: chr1-241675404-C-T.
Other names: short protein forms V140I.
Identifiers: ClinVar variation 1738561 (VCV001738561.3), dbSNP rs746195750, ClinGen allele CA1478681.